The following is an entry in ClinVar:

ClinVar aggregate classification (germline): Uncertain significance (1 of 4 stars; one submission).

Conditions:
Hereditary cancer-predisposing syndrome. Also called: Hereditary Cancer Syndrome; Hereditary neoplastic syndrome; Neoplastic Syndromes, Hereditary; Tumor predisposition. Identifiers: Orphanet 140162, MedGen C0027672, MeSH D009386, MONDO:0015356.

Submission:

Ambry Genetics
Classification: Uncertain significance for Hereditary cancer-predisposing syndrome. Last evaluated: 2025-08-21. Review status: criteria provided, single submitter. Criteria: Ambry Variant Classification Scheme 2023. Collection method: clinical testing. Allele origin: germline.
Comment: The p.C1153W variant (also known as c.3459C>G), located in coding exon 20 of the DICER1 gene, results from a C to G substitution at nucleotide position 3459. The cysteine at codon 1153 is replaced by tryptophan, an amino acid with highly dissimilar properties. This amino acid position is conserved. In addition, the in silico prediction for this alteration is inconclusive. Based on the available evidence, the clinical significance of this variant remains unclear.

NM_177438.3(DICER1):c.3459C>G (p.Cys1153Trp)

Gene: DICER1 (dicer 1, ribonuclease III; minus strand). Cytogenetic location: 14q32.13.
Variant type: single nucleotide variant.
Coding change: c.3459C>G on transcript NM_177438.3 (MANE Select); coding-DNA position 3459, C replaced by G.
Protein change: p.Cys1153Trp; replaces cysteine 1153 with tryptophan.
Molecular consequence: missense variant. On other transcripts: non-coding transcript variant (6).
Genome position (GRCh38, 1-based): chr14:95,103,937, G>C on the plus strand (C>G on the coding strand, the complement: DICER1 is on the minus strand). VCF-style: chr14-95103937-G-C. GRCh37 (hg19) VCF-style: chr14-95570274-G-C.
Other names: c.3459C>G, p.Cys1153Trp (NM_001195573.1, NM_001271282.3, NM_001291628.2 and 12 more transcripts); c.3177C>G, p.Cys1059Trp (NM_001395686.1); c.3054C>G, p.Cys1018Trp (NM_001395687.1, NM_001395688.1, NM_001395689.1 and 2 more transcripts); c.2892C>G, p.Cys964Trp (NM_001395691.1); c.1776C>G, p.Cys592Trp (NM_001395697.1); short protein forms C1018W, C1153W, C1059W, C964W, C592W.
Identifiers: ClinVar variation 4240527 (VCV004240527.1).